The following is an entry in ClinVar:

ClinVar aggregate classification (germline): Uncertain significance. Review status: criteria provided, multiple submitters, no conflicts (2 of 4 stars). 4 submissions from 4 submitters: Uncertain significance (4). Last evaluated 2026-01-09.

Conditions:
Hereditary nonpolyposis colorectal neoplasms. Identifiers: MedGen C0009405, MeSH D003123.
Hereditary cancer-predisposing syndrome. Also called: Neoplastic Syndromes, Hereditary; Tumor predisposition; Hereditary neoplastic syndrome; Hereditary Cancer Syndrome. Identifiers: Orphanet 140162, MedGen C0027672, MeSH D009386, MONDO:0015356.
Lynch syndrome. Identifiers: Orphanet 144, MedGen C4552100, MONDO:0005835. Disease mechanism: loss of function.

Allele frequency attached by ClinVar (database versions not stated): gnomAD exomes below 0.00001.
gnomAD v4.1: 1 of 1,614,216 alleles (0.000062%); highest among the groups gnomAD compares: East Asian, 0.0022%; no homozygotes.

Submissions (4):

Labcorp Genetics (formerly Invitae), Labcorp
Classification: Uncertain significance for Hereditary nonpolyposis colorectal neoplasms. Last evaluated: 2026-01-09. Review status: criteria provided, single submitter. Criteria: Invitae Variant Classification Sherloc (09022015). Collection method: clinical testing. Allele origin: germline.
Comment: This sequence change replaces glutamic acid, which is acidic and polar, with valine, which is neutral and non-polar, at codon 583 of the PMS2 protein (p.Glu583Val). This variant is not present in population databases (gnomAD no frequency). This variant has not been reported in the literature in individuals affected with PMS2-related conditions. ClinVar contains an entry for this variant (Variation ID: 578817). Invitae Evidence Modeling incorporating data from in vitro experimental studies (internal data) indicates that this missense variant is not expected to disrupt PMS2 function with a negative predictive value of 95%. In summary, the available evidence is currently insufficient to determine the role of this variant in disease. Therefore, it has been classified as a Variant of Uncertain Significance.

Color Diagnostics, LLC DBA Color Health
Classification: Uncertain significance for Hereditary cancer-predisposing syndrome. Last evaluated: 2025-01-22. Review status: criteria provided, single submitter. Criteria: ACMG Guidelines, 2015. Collection method: clinical testing. Allele origin: germline.
Comment: This missense variant replaces glutamic acid with valine at codon 583 of the PMS2 protein. Computational prediction suggests that this variant may not impact protein structure and function (internally defined REVEL score threshold <= 0.5, PMID: 27666373). To our knowledge, functional studies have not been reported for this variant. This variant has not been reported in individuals affected with PMS2-related disorders in the literature. This variant has not been identified in the general population by the Genome Aggregation Database (gnomAD). The available evidence is insufficient to determine the role of this variant in disease conclusively. Therefore, this variant is classified as a Variant of Uncertain Significance.

All of Us Research Program, National Institutes of Health
Classification: Uncertain significance for Lynch syndrome. Last evaluated: 2024-05-14. Review status: criteria provided, single submitter. Criteria: ACMG Guidelines, 2015. Collection method: clinical testing. Allele origin: germline. Inheritance: Autosomal dominant inheritance. Observed: 1 variant allele, 1 heterozygote.
Comment: This missense variant replaces glutamic acid with valine at codon 583 of the PMS2 protein. Computational prediction suggests that this variant may not impact protein structure and function (internally defined REVEL score threshold <= 0.5, PMID: 27666373). To our knowledge, functional studies have not been reported for this variant. This variant has not been reported in individuals affected with PMS2-related disorders in the literature. This variant has not been identified in the general population by the Genome Aggregation Database (gnomAD). The available evidence is insufficient to determine the role of this variant in disease conclusively. Therefore, this variant is classified as a Variant of Uncertain Significance.

This study involves interpretation of variants in research participants for the purpose of population health screening. Participant phenotype was not available at the time of variant classification. Additional details can be found in publication PMID: 35346344, PMCID: PMC8962531

Ambry Genetics
Classification: Uncertain significance for Hereditary cancer-predisposing syndrome. Last evaluated: 2023-07-30. Review status: criteria provided, single submitter. Criteria: Ambry Variant Classification Scheme 2023. Collection method: clinical testing. Allele origin: germline.
Comment: The p.E583V variant (also known as c.1748A>T), located in coding exon 11 of the PMS2 gene, results from an A to T substitution at nucleotide position 1748. The glutamic acid at codon 583 is replaced by valine, an amino acid with dissimilar properties. This amino acid position is conserved. In addition, this alteration is predicted to be tolerated by in silico analysis. Since supporting evidence is limited at this time, the clinical significance of this alteration remains unclear.

NM_000535.7(PMS2):c.1748A>T (p.Glu583Val)

Gene: PMS2 (PMS1 homolog 2, mismatch repair system component; minus strand). Cytogenetic location: 7p22.1.
Variant type: single nucleotide variant.
Coding change: c.1748A>T on transcript NM_000535.7 (MANE Select); coding-DNA position 1748, A replaced by T.
Protein change: p.Glu583Val; replaces glutamic acid 583 with valine.
Molecular consequence: missense variant. On other transcripts: non-coding transcript variant (1).
Genome position (GRCh38, 1-based): chr7:5,987,017, T>A on the plus strand (A>T on the coding strand, the complement: PMS2 is on the minus strand). VCF-style: chr7-5987017-T-A. GRCh37 (hg19) VCF-style: chr7-6026648-T-A.
Other names: c.1343A>T, p.Glu448Val (NM_001322003.2, NM_001322004.2, NM_001322005.2 and 1 more transcripts); c.1592A>T, p.Glu531Val (NM_001322006.2); c.1430A>T, p.Glu477Val (NM_001322007.2, NM_001322008.2); c.1187A>T, p.Glu396Val (NM_001322010.2); c.815A>T, p.Glu272Val (NM_001322011.2, NM_001322012.2); c.1175A>T, p.Glu392Val (NM_001322013.2); c.1748A>T, p.Glu583Val (NM_001322014.2); c.1439A>T, p.Glu480Val (NM_001322015.2); short protein forms E583V, E480V, E531V, E477V, E272V, E392V, E396V, E448V.
Identifiers: ClinVar variation 578817 (VCV000578817.15), dbSNP rs1562627848, ClinGen allele CA366740045.